The following is an entry in ClinVar:

ClinVar aggregate classification (germline): Likely benign. Review status: criteria provided, multiple submitters, no conflicts (2 of 4 stars). 3 submissions from 3 submitters: Likely benign (3). Last evaluated 2024-11-19.

Conditions:
CEP250-related disorder. Also called: CEP250-related condition.

Allele frequency attached by ClinVar (database versions not stated): gnomAD 0.00002; TOPMed 0.00002.
gnomAD v4.1: 3 of 1,614,146 alleles (0.00019%); highest among the groups gnomAD compares: African/African-American, 0.0027%; no homozygotes.

Submissions (3):

PreventionGenetics, part of Exact Sciences
Classification: Likely benign for CEP250-related condition. Last evaluated: 2024-11-19. Review status: criteria provided, single submitter. Criteria: ACMG Guidelines, 2015. Collection method: clinical testing. Allele origin: germline.
Comment: This variant is classified as likely benign based on ACMG/AMP sequence variant interpretation guidelines (Richards et al. 2015 PMID: 25741868, with internal and published modifications).

Labcorp Genetics (formerly Invitae), Labcorp
Classification: Likely benign. Last evaluated: 2023-03-20. Review status: criteria provided, single submitter. Criteria: Invitae Variant Classification Sherloc (09022015). Collection method: clinical testing. Allele origin: germline.

Blueprint Genetics
Classification: Likely benign. Last evaluated: 2022-12-21. Review status: criteria provided, single submitter. Criteria: ACMG Guidelines, 2015. Collection method: clinical testing. Allele origin: germline.

NM_007186.6(CEP250):c.4251G>A (p.Lys1417=)

Gene: CEP250 (centrosomal protein 250; plus strand). Cytogenetic location: 20q11.22.
Variant type: single nucleotide variant.
Coding change: c.4251G>A on transcript NM_007186.6 (MANE Select); coding-DNA position 4251, G replaced by A.
Protein change: p.Lys1417=; no amino-acid change (lysine 1417 retained).
Molecular consequence: synonymous variant.
Genome position (GRCh38, 1-based): chr20:35,502,620, G>A. VCF-style: chr20-35502620-G-A. GRCh37 (hg19) VCF-style: chr20-34090448-G-A.
Other names: c.4251G>A (NM_007186.5); c.2355G>A, p.Lys785= (NM_001318219.1).
Identifiers: ClinVar variation 1920879 (VCV001920879.7), dbSNP rs918393908, ClinGen allele CA314159677.